The following is an entry in ClinVar:

ClinVar aggregate classification (germline): Uncertain significance. Review status: criteria provided, multiple submitters, no conflicts (2 of 4 stars). 3 submissions from 3 submitters: Uncertain significance (2). 1 of the submissions does not count toward it. Last evaluated 2025-12-24.

Conditions:
COL2A1-related disorder. Also called: COL2A1-related condition; COL2A1-related disorders.

Submissions (3):

Labcorp Genetics (formerly Invitae), Labcorp
Classification: Uncertain significance. Last evaluated: 2025-12-24. Review status: criteria provided, single submitter. Criteria: Invitae Variant Classification Sherloc (09022015). Collection method: clinical testing. Allele origin: germline.
Comment: This sequence change replaces glycine, which is neutral and non-polar, with leucine, which is neutral and non-polar, at codon 171 of the COL2A1 protein (p.Gly171Leu). Information on the frequency of this variant in the gnomAD database is not available, as this variant may be reported differently in the database. This variant has not been reported in the literature in individuals affected with COL2A1-related conditions. ClinVar contains an entry for this variant (Variation ID: 503910). Experimental studies and prediction algorithms are not available or were not evaluated, and the functional significance of this variant is currently unknown. In summary, the available evidence is currently insufficient to determine the role of this variant in disease. Therefore, it has been classified as a Variant of Uncertain Significance.

GeneDx
Classification: Uncertain significance. Last evaluated: 2023-09-07. Review status: criteria provided, single submitter. Criteria: GeneDx Variant Classification Process June 2021. Collection method: clinical testing. Allele origin: germline. Affected: yes.
Comment: Has not been previously published as pathogenic or benign to our knowledge; In silico analysis, which includes protein predictors and evolutionary conservation, supports a deleterious effect; Not observed at a significant frequency in large population cohorts (gnomAD); Not located in the triple helical region, where the majority of pathogenic missense variants occur (HGMD); This variant is associated with the following publications: (PMID: 26582918)

PreventionGenetics, part of Exact Sciences
Classification: Uncertain significance for COL2A1-related condition. Last evaluated: 2024-09-13. Review status: no assertion criteria provided. Collection method: clinical testing. Allele origin: germline. Not counted in ClinVar's aggregate classification.
Comment: The COL2A1 c.511_512delinsCT variant is predicted to result in an in-frame deletion and insertion. To our knowledge, this variant has not been reported in the literature. In gnomAD, the c.511_512delinsCT variant appears as two separate allele calls (c.511G>C and c.512G>T), but the two variants are reported to occur in cis (on the same allele) in four heterozygous individuals. This variant impacts a Glycine residue outside of the triple-helical domain (amino acid residues 201-1214). At this time, the clinical significance of this variant is uncertain due to the absence of conclusive functional and genetic evidence.

NM_001844.5(COL2A1):c.511_512delinsCT (p.Gly171Leu)

Gene: COL2A1 (collagen type II alpha 1 chain; minus strand). Cytogenetic location: 12q13.11.
Variant type: Indel.
Coding change: c.511_512delinsCT on transcript NM_001844.5 (MANE Select); coding-DNA positions 511 to 512, GG replaced by CT.
Protein change: p.Gly171Leu; replaces glycine 171 with leucine.
Molecular consequence: missense variant.
Genome position (GRCh38, 1-based): chr12:47,997,625-47,997,626, CC replaced by AG on the plus strand (GG replaced by CT on the coding strand, the reverse complement: COL2A1 is on the minus strand). VCF-style: chr12-47997625-CC-AG. GRCh37 (hg19) VCF-style: chr12-48391408-CC-AG.
Other names: c.304_305delinsCT, p.Gly102Leu (NM_033150.3); c.511_512delinsCT (NM_001844.4); short protein forms G171L, G102L.
Identifiers: ClinVar variation 503910 (VCV000503910.16), dbSNP rs1555169086, ClinGen allele CA658797892.